The following is an entry in ClinVar:

ClinVar aggregate classification (germline): Uncertain significance. Review status: criteria provided, multiple submitters, no conflicts (2 of 4 stars). 2 submissions from 2 submitters: Uncertain significance (2). Last evaluated 2023-01-23.

Conditions:
Hereditary cancer-predisposing syndrome. Also called: Neoplastic Syndromes, Hereditary; Hereditary Cancer Syndrome; Hereditary neoplastic syndrome; Tumor predisposition. Identifiers: Orphanet 140162, MedGen C0027672, MeSH D009386, MONDO:0015356.
DICER1-related tumor predisposition. Also called: DICER1-related pleuropulmonary blastoma cancer predisposition syndrome; DICER1 syndrome. Identifiers: Orphanet 284343, MedGen C3839822, MONDO:0100216.

Allele frequency attached by ClinVar (database versions not stated): gnomAD exomes below 0.00001.
gnomAD v4.1: 1 of 1,613,660 alleles (0.000062%); highest among the groups gnomAD compares: Non-Finnish European, 0.000085%; no homozygotes.

Submissions (2):

Labcorp Genetics (formerly Invitae), Labcorp
Classification: Uncertain significance for DICER1-related tumor predisposition. Last evaluated: 2023-01-23. Review status: criteria provided, single submitter. Criteria: Invitae Variant Classification Sherloc (09022015). Collection method: clinical testing. Allele origin: germline.
Comment: In summary, the available evidence is currently insufficient to determine the role of this variant in disease. Therefore, it has been classified as a Variant of Uncertain Significance. Advanced modeling of protein sequence and biophysical properties (such as structural, functional, and spatial information, amino acid conservation, physicochemical variation, residue mobility, and thermodynamic stability) performed at Invitae indicates that this missense variant is not expected to disrupt DICER1 protein function. ClinVar contains an entry for this variant (Variation ID: 826930). This variant has not been reported in the literature in individuals affected with DICER1-related conditions. This variant is present in population databases (no rsID available, gnomAD 0.0009%). This sequence change replaces valine, which is neutral and non-polar, with isoleucine, which is neutral and non-polar, at codon 242 of the DICER1 protein (p.Val242Ile).

Ambry Genetics
Classification: Uncertain significance for Hereditary cancer-predisposing syndrome. Last evaluated: 2018-04-04. Review status: criteria provided, single submitter. Criteria: Ambry Variant Classification Scheme 2023. Collection method: clinical testing. Allele origin: germline.
Comment: The p.V242I variant (also known as c.724G>A), located in coding exon 5 of the DICER1 gene, results from a G to A substitution at nucleotide position 724. The valine at codon 242 is replaced by isoleucine, an amino acid with highly similar properties. This amino acid position is highly conserved in available vertebrate species. In addition, this alteration is predicted to be tolerated by in silico analysis. Since supporting evidence is limited at this time, the clinical significance of this alteration remains unclear.

NM_177438.3(DICER1):c.724G>A (p.Val242Ile)

Gene: DICER1 (dicer 1, ribonuclease III; minus strand). Cytogenetic location: 14q32.13.
Variant type: single nucleotide variant.
Coding change: c.724G>A on transcript NM_177438.3 (MANE Select); coding-DNA position 724, G replaced by A.
Protein change: p.Val242Ile; replaces valine 242 with isoleucine.
Molecular consequence: missense variant.
Genome position (GRCh38, 1-based): chr14:95,129,482, C>T on the plus strand (G>A on the coding strand, the complement: DICER1 is on the minus strand). VCF-style: chr14-95129482-C-T. GRCh37 (hg19) VCF-style: chr14-95595819-C-T.
Other names: c.724G>A, p.Val242Ile (NM_001195573.1, NM_001271282.3, NM_001291628.2 and 1 more transcripts); short protein forms V242I.
Identifiers: ClinVar variation 826930 (VCV000826930.7), dbSNP rs1290563406, ClinGen allele CA390887980.